The following is an entry in ClinVar:

ClinVar aggregate classification (germline): Uncertain significance (1 of 4 stars; one submission).

Conditions:
Familial cancer of breast. Also called: Hereditary breast cancer; hereditary breast carcinoma; BREAST CANCER, FAMILIAL. Identifiers: Orphanet 227535, MedGen C0346153, MONDO:0016419, OMIM 114480. Disease mechanism: loss of function.

Submission:

Labcorp Genetics (formerly Invitae), Labcorp
Classification: Uncertain significance for Familial cancer of breast. Last evaluated: 2019-01-20. Review status: criteria provided, single submitter. Criteria: Invitae Variant Classification Sherloc (09022015). Collection method: clinical testing. Allele origin: germline.
Comment: In summary, the available evidence is currently insufficient to determine the role of this variant in disease. Therefore, it has been classified as a Variant of Uncertain Significance. Algorithms developed to predict the effect of missense changes on protein structure and function are either unavailable or do not agree on the potential impact of this missense change (SIFT: "Deleterious"; PolyPhen-2: "Possibly Damaging"; Align-GVGD: "Class C0"). This variant has not been reported in the literature in individuals with CHEK2-related conditions. This variant is not present in population databases (ExAC no frequency). This sequence change replaces serine with threonine at codon 52 of the CHEK2 protein (p.Ser52Thr). The serine residue is moderately conserved and there is a small physicochemical difference between serine and threonine.

NM_007194.4(CHEK2):c.154T>A (p.Ser52Thr)

Gene: CHEK2 (checkpoint kinase 2; minus strand). Cytogenetic location: 22q12.1.
Variant type: single nucleotide variant.
Coding change: c.154T>A on transcript NM_007194.4 (MANE Select); coding-DNA position 154, T replaced by A.
Protein change: p.Ser52Thr; replaces serine 52 with threonine.
Molecular consequence: missense variant.
Genome position (GRCh38, 1-based): chr22:28,734,568, A>T on the plus strand (T>A on the coding strand, the complement: CHEK2 is on the minus strand). VCF-style: chr22-28734568-A-T. GRCh37 (hg19) VCF-style: chr22-29130556-A-T.
Other names: c.154T>A, p.Ser52Thr (NM_001005735.3, NM_001349956.3, NM_145862.3); c.-624T>A (NM_001257387.3); short protein forms S52T.
Identifiers: ClinVar variation 853943 (VCV000853943.10), dbSNP rs2054325597, ClinGen allele CA411090993.
Genomic context (GRCh38, chr22:28,734,568, plus strand): 5'-AGAGTTCCTGAGTGGACACTGTCTCTAAGGAGCTCAGTGTCCCAGAGCTGGAGTGAGAGG[A>T]CTGGCTGGAGTTTGGCATCGTGCTGGTAGAGGAGCTGGATATGCCCTGGGACTGTGAGGA-3'
Protein context (NP_009125.1, residues 42-62): STSTMPNSSQ[Ser52Thr]SHSSSGTLSS